The following is an entry in ClinVar:

NM_003235.5(TG):c.1370C>T (p.Ala457Val)

Gene: TG (thyroglobulin; plus strand). Cytogenetic location: 8q24.22.
Variant type: single nucleotide variant.
Coding change: c.1370C>T on transcript NM_003235.5 (MANE Select); coding-DNA position 1370, C replaced by T.
Protein change: p.Ala457Val; replaces alanine 457 with valine.
Molecular consequence: missense variant.
Genome position (GRCh38, 1-based): chr8:132,886,742, C>T. VCF-style: chr8-132886742-C-T. GRCh37 (hg19) VCF-style: chr8-133898987-C-T.
Other names: short protein forms A457V.
Identifiers: ClinVar variation 3176578 (VCV003176578.2), dbSNP rs767097110, ClinGen allele CA4883176.

ClinVar aggregate classification (germline): Uncertain significance. Review status: criteria provided, multiple submitters, no conflicts (2 of 4 stars). 2 submissions from 2 submitters: Uncertain significance (2). Last evaluated 2026-01-13.

Conditions:
Inborn genetic diseases. Identifiers: MedGen C0950123, MeSH D030342.

Allele frequency attached by ClinVar (database versions not stated): gnomAD exomes below 0.00001; ExAC 0.00002; TOPMed 0.00002.
gnomAD v4.1: 9 of 1,614,212 alleles (0.00056%); highest among the groups gnomAD compares: Middle Eastern, 0.016%; no homozygotes.

Submissions (2):

Women's Health and Genetics/Laboratory Corporation of America, LabCorp
Classification: Uncertain significance. Last evaluated: 2026-01-13. Review status: criteria provided, single submitter. Criteria: LabCorp Variant Classification Summary - May 2015. Collection method: clinical testing. Allele origin: germline.
Comment: Variant summary: TG c.1370C>T (p.Ala457Val) results in a non-conservative amino acid change in the encoded protein sequence. Algorithms developed to predict the effect of missense changes on protein structure and function all suggest that this variant is likely to be disruptive. The variant allele was found at a frequency of 2e-05 in 250970 control chromosomes. The available data on variant occurrences in the general population are insufficient to allow any conclusion about variant significance. To our knowledge, no occurrence of c.1370C>T in individuals affected with TG-related conditions and no experimental evidence demonstrating its impact on protein function have been reported. ClinVar contains an entry for this variant (Variation ID: 3176578). Based on the evidence outlined above, the variant was classified as uncertain significance.

Ambry Genetics
Classification: Uncertain significance for Inborn genetic diseases. Last evaluated: 2022-01-31. Review status: criteria provided, single submitter. Criteria: Ambry Variant Classification Scheme 2023. Collection method: clinical testing. Allele origin: germline.